The following is an entry in ClinVar:

ClinVar aggregate classification (germline): Uncertain significance (1 of 4 stars; one submission).

Conditions:
Dilated cardiomyopathy 1HH (CMD1HH). Identifiers: Orphanet 154, MedGen C3151293, MONDO:0013479, OMIM 613881.
Myofibrillar myopathy 6. Identifiers: Orphanet 199340, MedGen C2751831, MONDO:0013061, OMIM 612954.

Allele frequency attached by ClinVar (database versions not stated): gnomAD exomes below 0.00001.
gnomAD v4.1: 1 of 1,614,186 alleles (0.000062%); highest among the groups gnomAD compares: Non-Finnish European, 0.000085%; no homozygotes.

Submission:

Labcorp Genetics (formerly Invitae), Labcorp
Classification: Uncertain significance for Dilated cardiomyopathy 1HH; Myofibrillar myopathy 6. Last evaluated: 2022-05-01. Review status: criteria provided, single submitter. Criteria: Invitae Variant Classification Sherloc (09022015). Collection method: clinical testing. Allele origin: germline.
Comment: Algorithms developed to predict the effect of missense changes on protein structure and function are either unavailable or do not agree on the potential impact of this missense change (SIFT: "Deleterious"; PolyPhen-2: "Not Available"; Align-GVGD: "Class C0"). In summary, the available evidence is currently insufficient to determine the role of this variant in disease. Therefore, it has been classified as a Variant of Uncertain Significance. This variant has not been reported in the literature in individuals affected with BAG3-related conditions. This variant is not present in population databases (gnomAD no frequency). This sequence change replaces alanine, which is neutral and non-polar, with serine, which is neutral and polar, at codon 498 of the BAG3 protein (p.Ala498Ser).

NM_004281.4(BAG3):c.1492G>T (p.Ala498Ser)

Gene: BAG3 (BAG cochaperone 3; plus strand). Cytogenetic location: 10q26.11.
Variant type: single nucleotide variant.
Coding change: c.1492G>T on transcript NM_004281.4 (MANE Select); coding-DNA position 1492, G replaced by T.
Protein change: p.Ala498Ser; replaces alanine 498 with serine.
Molecular consequence: missense variant.
Genome position (GRCh38, 1-based): chr10:119,677,046, G>T. VCF-style: chr10-119677046-G-T. GRCh37 (hg19) VCF-style: chr10-121436558-G-T.
Other names: short protein forms A498S.
Identifiers: ClinVar variation 1969330 (VCV001969330.5), dbSNP rs2494024269, ClinGen allele CA378297442.